The following is an entry in ClinVar:

NM_018368.4(LMBRD1):c.1130T>C (p.Phe377Ser)

Gene: LMBRD1 (LMBR1 domain containing 1; minus strand). Cytogenetic location: 6q13.
Variant type: single nucleotide variant.
Coding change: c.1130T>C on transcript NM_018368.4 (MANE Select); coding-DNA position 1130, T replaced by C.
Protein change: p.Phe377Ser; replaces phenylalanine 377 with serine.
Molecular consequence: missense variant.
Genome position (GRCh38, 1-based): chr6:69,700,823, A>G on the plus strand (T>C on the coding strand, the complement: LMBRD1 is on the minus strand). VCF-style: chr6-69700823-A-G. GRCh37 (hg19) VCF-style: chr6-70410715-A-G.
Other names: c.911T>C, p.Phe304Ser (NM_001363722.2, NM_001367271.1, NM_001367272.1); short protein forms F377S, F304S.
Identifiers: ClinVar variation 449688 (VCV000449688.8), dbSNP rs73477459, ClinGen allele CA3879676.

ClinVar aggregate classification (germline): Uncertain significance. Review status: criteria provided, multiple submitters, no conflicts (2 of 4 stars). 3 submissions from 3 submitters: Uncertain significance (3). Last evaluated 2024-04-16.

Conditions:
Methylmalonic aciduria and homocystinuria type cblF. Also called: VITAMIN B12 LYSOSOMAL RELEASE DEFECT; VITAMIN B12 STORAGE DISEASE; METHYLMALONIC ACIDEMIA AND HOMOCYSTINURIA, cblF TYPE; METHYLMALONIC ACIDURIA DUE TO VITAMIN B12-RELEASE DEFECT; COBALAMIN F DISEASE; COBALAMIN, DEFECT IN LYSOSOMAL RELEASE OF. Identifiers: Orphanet 79284, MedGen C1848578, MONDO:0010183, OMIM 277380.
Inborn genetic diseases. Identifiers: MedGen C0950123, MeSH D030342.

Allele frequency attached by ClinVar (database versions not stated): gnomAD exomes 0.00004 and 0.00008; ExAC 0.00011; ESP Exome Variant Server 0.00048; gnomAD 0.00048 and 0.00050; TOPMed 0.00048; 1000 Genomes Project 0.00060; 1000 Genomes Project 30x 0.00078.
gnomAD v4.1: 121 of 1,497,326 alleles (0.0081%); highest among the groups gnomAD compares: African/African-American, 0.16%; no homozygotes.

Submissions (3):

Labcorp Genetics (formerly Invitae), Labcorp
Classification: Uncertain significance for Methylmalonic aciduria and homocystinuria type cblF. Last evaluated: 2024-04-16. Review status: criteria provided, single submitter. Criteria: Invitae Variant Classification Sherloc (09022015). Collection method: clinical testing. Allele origin: germline.
Comment: This sequence change replaces phenylalanine, which is neutral and non-polar, with serine, which is neutral and polar, at codon 377 of the LMBRD1 protein (p.Phe377Ser). This variant is present in population databases (rs73477459, gnomAD 0.2%). This variant has not been reported in the literature in individuals affected with LMBRD1-related conditions. ClinVar contains an entry for this variant (Variation ID: 449688). Advanced modeling of protein sequence and biophysical properties (such as structural, functional, and spatial information, amino acid conservation, physicochemical variation, residue mobility, and thermodynamic stability) performed at Invitae indicates that this missense variant is expected to disrupt LMBRD1 protein function with a positive predictive value of 80%. In summary, the available evidence is currently insufficient to determine the role of this variant in disease. Therefore, it has been classified as a Variant of Uncertain Significance.

Ambry Genetics
Classification: Uncertain significance for Inborn genetic diseases. Last evaluated: 2024-03-15. Review status: criteria provided, single submitter. Criteria: Ambry Variant Classification Scheme 2023. Collection method: clinical testing. Allele origin: germline.

GeneDx
Classification: Uncertain significance. Last evaluated: 2017-06-21. Review status: criteria provided, single submitter. Criteria: GeneDx Variant Classification (06012015). Collection method: clinical testing. Allele origin: germline. Affected: yes.
Comment: The F377S variant in the LMBRD1 gene has not been reported previously as a pathogenic variant, nor as a benign variant, to our knowledge. The F377S variant is observed in 6/4738 (0.13%) alleles from individuals of African background in the ExAC dataset (Lek et al., 2016). The F377S variant is a non-conservative amino acid substitution, which is likely to impact secondary protein structure as these residues differ in polarity, charge, size and/or other properties. This substitution occurs at a position that is conserved across species, and in silico analysis predicts this variant is probably damaging to the protein structure/function. We interpret F377S as a variant of uncertain significance.